The following is an entry in ClinVar:

NM_001082538.3(TCTN1):c.132C>G (p.Thr44=)

Gene: TCTN1 (tectonic family member 1; plus strand). Cytogenetic location: 12q24.11.
Variant type: single nucleotide variant.
Coding change: c.132C>G on transcript NM_001082538.3 (MANE Select); coding-DNA position 132, C replaced by G.
Protein change: p.Thr44=; no amino-acid change (threonine 44 retained).
Molecular consequence: synonymous variant. On other transcripts: 5 prime UTR variant (4), non-coding transcript variant (1).
Genome position (GRCh38, 1-based): chr12:110,614,314, C>G. VCF-style: chr12-110614314-C-G. GRCh37 (hg19) VCF-style: chr12-111052119-C-G.
Other names: c.-98C>G (NM_001173975.3, NM_001319682.3); c.-125C>G (NM_001173976.2); c.132C>G, p.Thr44= (NM_001319680.2, NM_024549.6, NM_001082537.3); c.-576C>G (NM_001319681.2).
Identifiers: ClinVar variation 4085042 (VCV004085042.8).
Genomic context (GRCh38, chr12:110,614,314, plus strand): 5'-CGATGCCACCCCGGCGGTGACGACAGAGGGCCTCAACTCCACCGAGGCAGCCCTGGCCAC[C>G]TTCGGAACTTTCCCGTCGACCAGGCCCCCCGGGACTCCCAGGGCTCCAGGGCCCTCCTCC-3'
Protein context (NP_001076007.1, residues 34-54): GLNSTEAALA[Thr44=]FGTFPSTRPP

ClinVar aggregate classification (germline): Likely benign (1 of 4 stars; one submission).

Submission:

CeGaT Center for Human Genetics Tuebingen
Classification: Likely benign. Last evaluated: 2025-06-01. Review status: criteria provided, single submitter. Criteria: CeGaT Center For Human Genetics Tuebingen Variant Classification Criteria Version 2. Collection method: clinical testing. Allele origin: germline. Affected: yes. Observed: 1 variant allele.
Comment: TCTN1: PM2:Supporting, BP4, BP7